The following is an entry in ClinVar:

NM_002519.3(NPAT):c.2897G>T (p.Arg966Leu)

Gene: NPAT (nuclear protein, coactivator of histone transcription; minus strand). Cytogenetic location: 11q22.3.
Variant type: single nucleotide variant.
Coding change: c.2897G>T on transcript NM_002519.3 (MANE Select); coding-DNA position 2897, G replaced by T.
Protein change: p.Arg966Leu; replaces arginine 966 with leucine.
Molecular consequence: missense variant.
Genome position (GRCh38, 1-based): chr11:108,169,932, C>A on the plus strand (G>T on the coding strand, the complement: NPAT is on the minus strand). VCF-style: chr11-108169932-C-A. GRCh37 (hg19) VCF-style: chr11-108040659-C-A.
Other names: c.2897G>T, p.Arg966Leu (NM_001321307.1); short protein forms R966L.
Identifiers: ClinVar variation 2567993 (VCV002567993.2), dbSNP rs201165741, ClinGen allele CA382512002.
Genomic context (GRCh38, chr11:108,169,932, plus strand): 5'-TAATTACACTAAGCTTGAAAAGCATCACCACACCATTTTCAGTTCATAAATCTTACCTGC[C>A]GAGGAGGAGTAGAAAAGTTATTTCCATTCTGTCCAACCACAGATACTGGGATCATCCCTA-3'
Protein context (NP_002510.2, residues 956-976): QNGNNFSTPP[Arg966Leu]QVLHMPLTAP

ClinVar aggregate classification (germline): Uncertain significance (1 of 4 stars; one submission).

Submission:

Ambry Genetics
Classification: Uncertain significance. Last evaluated: 2023-05-07. Review status: criteria provided, single submitter. Criteria: Ambry Variant Classification Scheme 2023. Collection method: clinical testing. Allele origin: germline.
Comment: The p.R966L variant (also known as c.2897G>T), located in coding exon 14 of the NPAT gene, results from a G to T substitution at nucleotide position 2897. The arginine at codon 966 is replaced by leucine, an amino acid with dissimilar properties. This amino acid position is conserved. In addition, this alteration is predicted to be tolerated by in silico analysis. Since supporting evidence is limited at this time, the clinical significance of this alteration remains unclear.